The following is an entry in ClinVar:

NM_001267550.2(TTN):c.86949A>G (p.Glu28983=)

Genes: TTN (titin; minus strand), TTN-AS1 (TTN antisense RNA 1; plus strand). Cytogenetic location: 2q31.2.
Variant type: single nucleotide variant.
Coding change: c.86949A>G on transcript NM_001267550.2 (MANE Select); coding-DNA position 86949, A replaced by G.
Protein change: p.Glu28983=; no amino-acid change (glutamic acid 28983 retained).
Molecular consequence: synonymous variant.
Genome position (GRCh38, 1-based): chr2:178,558,510, T>C on the plus strand (A>G on the coding strand, the complement: TTN is on the minus strand). VCF-style: chr2-178558510-T-C. GRCh37 (hg19) VCF-style: chr2-179423237-T-C.
Other names: c.82026A>G, p.Glu27342= (NM_001256850.1); c.59754A>G, p.Glu19918= (NM_003319.4); c.79245A>G, p.Glu26415= (NM_133378.4); c.60129A>G, p.Glu20043= (NM_133432.3); c.60330A>G, p.Glu20110= (NM_133437.4).
Identifiers: ClinVar variation 283450 (VCV000283450.69), dbSNP rs375565646, ClinGen allele CA1988403.

ClinVar aggregate classification (germline): Conflicting classifications of pathogenicity. Review status: criteria provided, conflicting classifications (1 of 4 stars). 16 submissions from 12 submitters: Uncertain significance (4); Benign (3); Likely benign (5). 4 of the submissions do not count toward it. Last evaluated 2026-02-03.

Conditions:
Cardiovascular phenotype. Identifiers: MedGen CN230736.
TTN-related disorder. Also called: TTN-related disorders; TTN-related condition; TTN-related disease.
Autosomal recessive limb-girdle muscular dystrophy type 2J (LGMDR10). Also called: Limb-girdle muscular dystrophy, type 2J; MUSCULAR DYSTROPHY, LIMB-GIRDLE, AUTOSOMAL RECESSIVE 10. Identifiers: Orphanet 140922, MedGen C1837342, MONDO:0012127, OMIM 608807.
Dilated cardiomyopathy 1G (CMD1G). Identifiers: Orphanet 154, MedGen C1858763, MONDO:0011400, OMIM 604145.
Tibial muscular dystrophy (TMD). Also called: Udd Distal Myopathy – Tibial Muscular Dystrophy; UDD MYOPATHY; Tibial muscular dystrophy, tardive. Identifiers: Orphanet 609, MedGen C1838244, MONDO:0010870, OMIM 600334.
Early-onset myopathy with fatal cardiomyopathy (CMYO5). Also called: Salih Myopathy; CONGENITAL MYOPATHY 5 WITH CARDIOMYOPATHY. Identifiers: Orphanet 289377, MedGen C2673677, MONDO:0012714, OMIM 611705. Disease mechanism: loss of function.
Myopathy, myofibrillar, 9, with early respiratory failure (MFM9). Also called: EDSTROM MYOPATHY; MYOPATHY, PROXIMAL, WITH EARLY RESPIRATORY MUSCLE INVOLVEMENT; Hereditary myopathy with early respiratory failure; Myopathy, distal, with early respiratory failure, autosomal dominant. Identifiers: Orphanet 178464, Orphanet 34521, MedGen C1863599, MONDO:0011362, OMIM 603689.
Tip-toe gait. Also called: Toe walking. Identifiers: MedGen C0427144, HP:0030051.

Allele frequency attached by ClinVar (database versions not stated): gnomAD 0.00004 and 0.00005; ESP Exome Variant Server 0.00008; gnomAD exomes 0.00009 and 0.00018; TOPMed 0.00011; ExAC 0.00024.
gnomAD v4.1: 151 of 1,613,718 alleles (0.0094%); highest among the groups gnomAD compares: Middle Eastern, 0.033%; 1 homozygote.

Submissions (16):

PreventionGenetics, part of Exact Sciences
Classification: Likely benign for TTN-related condition. Last evaluated: 2026-02-03. Review status: criteria provided, single submitter. Criteria: ACMG Guidelines, 2015. Collection method: clinical testing. Allele origin: germline.
Comment: This variant is classified as likely benign based on ACMG/AMP sequence variant interpretation guidelines (Richards et al. 2015 PMID: 25741868, with internal and published modifications).

Labcorp Genetics (formerly Invitae), Labcorp
Classification: Likely benign for Dilated cardiomyopathy 1G; Autosomal recessive limb-girdle muscular dystrophy type 2J. Last evaluated: 2025-12-22. Review status: criteria provided, single submitter. Criteria: Invitae Variant Classification Sherloc (09022015). Collection method: clinical testing. Allele origin: germline.

Blueprint Genetics
Classification: Likely benign. Last evaluated: 2024-11-11. Review status: criteria provided, single submitter. Criteria: ACMG Guidelines, 2015. Collection method: clinical testing. Allele origin: germline.

CeGaT Center for Human Genetics Tuebingen
Classification: Likely benign. Last evaluated: 2023-12-01. Review status: criteria provided, single submitter. Criteria: CeGaT Center For Human Genetics Tuebingen Variant Classification Criteria Version 2. Collection method: clinical testing. Allele origin: germline. Affected: yes. Observed: 6 variant alleles.
Comment: TTN: BP4

GeneDx
Classification: Likely benign. Last evaluated: 2021-05-06. Review status: criteria provided, single submitter. Criteria: GeneDx Variant Classification Process June 2021. Collection method: clinical testing. Allele origin: germline. Affected: yes.

Ambry Genetics
Classification: Benign for Cardiovascular phenotype. Last evaluated: 2021-03-15. Review status: criteria provided, single submitter. Criteria: Ambry Variant Classification Scheme 2023. Collection method: clinical testing. Allele origin: germline.

Illumina Laboratory Services, Illumina
Classification: Benign for Myopathy, myofibrillar, 9, with early respiratory failure. Last evaluated: 2018-01-13. Review status: criteria provided, single submitter. Criteria: ICSL Variant Classification Criteria 13 December 2019. Collection method: clinical testing. Allele origin: germline.
Comment: This variant was observed in the ICSL laboratory as part of a predisposition screen in an ostensibly healthy population. It had not been previously curated by ICSL or reported in the Human Gene Mutation Database (HGMD: prior to June 1st, 2018), and was therefore a candidate for classification through an automated scoring system. Utilizing variant allele frequency, disease prevalence and penetrance estimates, and inheritance mode, an automated score was calculated to assess if this variant is too frequent to cause the disease. Based on the score and internal cut-off values, a variant classified as benign is not then subjected to further curation. The score for this variant resulted in a classification of benign for this disease.

Illumina Laboratory Services, Illumina
Classification: Uncertain significance for Autosomal recessive limb-girdle muscular dystrophy type 2J. Last evaluated: 2018-01-13. Review status: criteria provided, single submitter. Criteria: ICSL Variant Classification Criteria 13 December 2019. Collection method: clinical testing. Allele origin: germline.

Illumina Laboratory Services, Illumina
Classification: Uncertain significance for Dilated cardiomyopathy 1G. Last evaluated: 2018-01-13. Review status: criteria provided, single submitter. Criteria: ICSL Variant Classification Criteria 13 December 2019. Collection method: clinical testing. Allele origin: germline.

Illumina Laboratory Services, Illumina
Classification: Uncertain significance for Early-onset myopathy with fatal cardiomyopathy. Last evaluated: 2018-01-13. Review status: criteria provided, single submitter. Criteria: ICSL Variant Classification Criteria 13 December 2019. Collection method: clinical testing. Allele origin: germline.

Illumina Laboratory Services, Illumina
Classification: Benign for Tibial muscular dystrophy. Last evaluated: 2018-01-13. Review status: criteria provided, single submitter. Criteria: ICSL Variant Classification Criteria 13 December 2019. Collection method: clinical testing. Allele origin: germline.
Comment: the same text as in the submission from Illumina Laboratory Services, Illumina above.

Eurofins Ntd Llc (ga)
Classification: Uncertain significance. Last evaluated: 2015-10-22. Review status: criteria provided, single submitter. Criteria: EGL Classification Definitions 2015. Collection method: clinical testing. Allele origin: germline. Observed: 2 variant alleles, 2 heterozygotes.

Clinical Genetics DNA and cytogenetics Diagnostics Lab, Erasmus MC, Erasmus Medical Center
Classification: Likely benign. Review status: no assertion criteria provided. Collection method: clinical testing. Allele origin: germline. Affected: yes. Study: VKGL Data-share Consensus. Not counted in ClinVar's aggregate classification.

Genome Diagnostics Laboratory, University Medical Center Utrecht
Classification: Likely benign. Review status: no assertion criteria provided. Collection method: clinical testing. Allele origin: germline. Affected: yes. Study: VKGL Data-share Consensus. Not counted in ClinVar's aggregate classification.

Joint Genome Diagnostic Labs from Nijmegen and Maastricht, Radboudumc and MUMC+
Classification: Benign. Review status: no assertion criteria provided. Collection method: clinical testing. Allele origin: germline. Affected: yes. Study: VKGL Data-share Consensus. Not counted in ClinVar's aggregate classification.

Practice for Gait Abnormalities, David Pomarino, Competency Network Toe Walking C/o Practice Pomarino
Classification: Likely pathogenic for Tip-toe gait. Review status: no assertion criteria provided. Collection method: clinical testing. Allele origin: germline. Affected: yes. Not counted in ClinVar's aggregate classification.
Comment: Myopathy refers to diseases that affect skeletal Muscles. These diseases attack muscle fibers, making muscles weak. Inherited myopathies are often caused by inheriting an abnormal gene mutation from a parent that causes the disease. Symptoms of congenital myopathies usually start at birth or in early childhood, but may not appear until the teen years or even later in adulthood. Congenital myopathies are somewhat unique compared with other inherited myopathies, as weakness typically affects all muscles and is often not progressive. Symptoms are: Muscle weakness, most commonly of upper arms and shoulders and thighs, muscle cramps, stiffness and spasms, fatigue with exertion and lack of energy. Our patients all walk on tiptoe, so they show similar symptoms. When we genetically test them with our toe walking panel, we find that around 90 per cent of them have a genetic variant that explains their toe walking. These can be assigned, for example, to the area of myopathies (such as variants of the COL6A3 gene), the area of hereditary neuropathies (such as variants of the KMT2C gene) or the area of metabolic diseases (such as variants of the PYGM gene). In a smaller group of patients with almost identical symptoms, no abnormality is found in the genes of our panel, but spastic paraplegia can be detected. In another small group of our toe walkers, no abnormalities can be detected in the genes analysed in our toe walking panel, nor do they suffer from spastic paraplegia, as is also the case with healthy children. In contrast to these, however, they show a tiptoe gait. These patients suffer from infantile cerebral palsy, in which toe walking can also be observed

Literature cited by the submitters: PubMed 37091313 (cited by Practice for Gait Abnormalities, David Pomarino, Competency Network Toe Walking C/o Practice Pomarino).